The following is an entry in ClinVar:

ClinVar aggregate classification (germline): Likely benign (1 of 4 stars; one submission).

Conditions:
Leigh syndrome (NULS). Also called: Leigh's necrotizing encephalopathy; Leigh's disease; Leigh Syndrome (mtDNA deletion); Leigh Disease; Subacute necrotizing encephalopathy; Necrotizing encephalopathy infantile subacute of Leigh. Identifiers: Orphanet 506, MedGen C2931891, MONDO:0009723, OMIM 256000.

Submission:

Wong Mito Lab, Molecular and Human Genetics, Baylor College of Medicine
Classification: Likely benign for Leigh syndrome. Last evaluated: 2019-10-17. Review status: criteria provided, single submitter. Criteria: Modified ACMG Guidelines (Unpublished). Collection method: clinical testing. Allele origin: germline.
Comment: The NC_012920.1:m.8944A>G (YP_003024031.1:p.Met140Val) variant in MTATP6 gene is interpretated to be a Likely Benign variant based on the modified ACMG guidelines (unpublished). This variant meets the following evidence codes: BS1, BP6

NC_012920.1(MT-ATP6):m.8944A>G

Gene: MT-ATP6 (mitochondrially encoded ATP synthase 6; plus strand).
Variant type: single nucleotide variant.
Genome position: chrM-8944-A-G.
Identifiers: ClinVar variation 693032 (VCV000693032.1), dbSNP rs1603221929, ClinGen allele CA414799093.
Genomic context (GRCh38, chrMT:8,944, plus strand): 5'-AAGATTAAAAATGCCCTAGCCCACTTCTTACCACAAGGCACACCTACACCCCTTATCCCC[A>G]TACTAGTTATTATCGAAACCATCAGCCTACTCATTCAACCAATAGCCCTGGCCGTACGCC-3'